The following is an entry in ClinVar:

ClinVar aggregate classification (germline): Likely pathogenic (1 of 4 stars; one submission).

Allele frequency attached by ClinVar (database versions not stated): gnomAD exomes below 0.00001; TOPMed 0.00001; gnomAD 0.00002.
gnomAD v4.1: 4 of 1,607,798 alleles (0.00025%); highest among the groups gnomAD compares: Admixed American, 0.0033%; no homozygotes.

Submission:

Labcorp Genetics (formerly Invitae), Labcorp
Classification: Likely pathogenic. Last evaluated: 2024-01-11. Review status: criteria provided, single submitter. Criteria: Invitae Variant Classification Sherloc (09022015). Collection method: clinical testing. Allele origin: germline.
Comment: This sequence change affects a donor splice site in intron 10 of the TTC37 gene. It is expected to disrupt RNA splicing. Variants that disrupt the donor or acceptor splice site typically lead to a loss of protein function (PMID: 16199547), and loss-of-function variants in TTC37 are known to be pathogenic (PMID: 20176027, 21120949). This variant is not present in population databases (gnomAD no frequency). This variant has not been reported in the literature in individuals affected with TTC37-related conditions. Algorithms developed to predict the effect of sequence changes on RNA splicing suggest that this variant may disrupt the consensus splice site. In summary, the currently available evidence indicates that the variant is pathogenic, but additional data are needed to prove that conclusively. Therefore, this variant has been classified as Likely Pathogenic.

Literature cited by the submitters: PubMed 16199547; PubMed 20176027; PubMed 21120949.

NM_014639.4(SKIC3):c.751+1G>A

Gene: SKIC3 (SKI3 subunit of superkiller complex; minus strand). Cytogenetic location: 5q15.
Variant type: single nucleotide variant.
Coding change: c.751+1G>A on transcript NM_014639.4 (MANE Select); the canonical splice donor site of the intron after coding-DNA position 751, G replaced by A.
Molecular consequence: splice donor variant.
Genome position (GRCh38, 1-based): chr5:95,536,816, C>T on the plus strand (G>A on the coding strand, the complement: SKIC3 is on the minus strand). VCF-style: chr5-95536816-C-T. GRCh37 (hg19) VCF-style: chr5-94872520-C-T.
Identifiers: ClinVar variation 2817960 (VCV002817960.3), dbSNP rs1252093159, ClinGen allele CA360440077.